The following is an entry in ClinVar:

ClinVar aggregate classification (germline): Uncertain significance (1 of 4 stars; one submission).

Conditions:
Growth delay due to insulin-like growth factor I resistance. Also called: Somatomedin end-organ insensitivity to; Somatomedin-c resistance to; IGF-1 resistance; IGF-I RESISTANCE; Insulin-Like Growth Factor I Resistance. Identifiers: Orphanet 73273, MedGen C1849157, MONDO:0010038, OMIM 270450.

gnomAD v4.1: 1 of 1,614,054 alleles (0.000062%); highest among the groups gnomAD compares: Non-Finnish European, 0.000085%; no homozygotes.

Submission:

Neuberg Centre For Genomic Medicine, NCGM
Classification: Uncertain significance for Growth delay due to insulin-like growth factor I resistance. Review status: criteria provided, single submitter. Criteria: ACMG Guidelines, 2015. Collection method: clinical testing. Allele origin: germline. Inheritance: Autosomal dominant inheritance. Affected: yes.
Comment: The missense c.419C>A p.Ala140Asp variant in IGF1R gene has not been reported previously as a pathogenic variant nor as a benign variant, to our knowledge. The p.Ala140Asp variant is novel not in any individuals in gnomAD Exomes and 1000 Genomes. This variant has not been reported to the ClinVar database. The amino acid change p.Ala140Asp in IGF1R is predicted as conserved by GERP++ and PhyloP across 100 vertebrates. The amino acid Ala at position 140 is changed to a Asp changing protein sequence and it might alter its composition and physico-chemical properties. For these reasons, this variant has been classified as Variant of Uncertain Significance VUS.

NM_000875.5(IGF1R):c.419C>A (p.Ala140Asp)

Gene: IGF1R (insulin like growth factor 1 receptor; plus strand). Cytogenetic location: 15q26.3.
Variant type: single nucleotide variant.
Coding change: c.419C>A on transcript NM_000875.5 (MANE Select); coding-DNA position 419, C replaced by A.
Protein change: p.Ala140Asp; replaces alanine 140 with aspartic acid.
Molecular consequence: missense variant.
Genome position (GRCh38, 1-based): chr15:98,707,886, C>A. VCF-style: chr15-98707886-C-A. GRCh37 (hg19) VCF-style: chr15-99251115-C-A.
Other names: c.419C>A, p.Ala140Asp (NM_001291858.2); short protein forms A140D.
Identifiers: ClinVar variation 3236427 (VCV003236427.2), dbSNP rs926370406, ClinGen allele CA393697232.